The following is an entry in ClinVar:

NM_000368.5(TSC1):c.211C>T (p.His71Tyr)

Gene: TSC1 (TSC complex subunit 1; minus strand). Cytogenetic location: 9q34.13.
Variant type: single nucleotide variant.
Coding change: c.211C>T on transcript NM_000368.5 (MANE Select); coding-DNA position 211, C replaced by T.
Protein change: p.His71Tyr; replaces histidine 71 with tyrosine.
Molecular consequence: missense variant. On other transcripts: 5 prime UTR variant (18), non-coding transcript variant (5), intron variant (5).
Genome position (GRCh38, 1-based): chr9:132,925,739, G>A on the plus strand (C>T on the coding strand, the complement: TSC1 is on the minus strand). VCF-style: chr9-132925739-G-A. GRCh37 (hg19) VCF-style: chr9-135801126-G-A.
Other names: c.211C>T, p.His71Tyr (NM_001162426.2, NM_001406592.1, NM_001406593.1 and 16 more transcripts); c.-153C>T (NM_001362177.2, NM_001406617.1, NM_001406618.1 and 5 more transcripts); c.-245C>T (NM_001406614.1, NM_001406616.1, NM_001406624.1); c.-278C>T (NM_001406615.1, NM_001406623.1); c.-667C>T (NM_001406626.1, NM_001406627.1, NM_001406628.1); c.-809C>T (NM_001406629.1); c.-883C>T (NM_001406630.1); c.210+1462C>T (NM_001406613.1, NM_001406612.1, NM_001406610.1 and 2 more transcripts); short protein forms H71Y.
Identifiers: ClinVar variation 3329393 (VCV003329393.3).

ClinVar aggregate classification (germline): Uncertain significance. Review status: criteria provided, multiple submitters, no conflicts (2 of 4 stars). 3 submissions from 3 submitters: Uncertain significance (3). Last evaluated 2025-09-08.

Conditions:
Lymphangiomyomatosis (LAM). Also called: Lymphangioleiomyomatosis, somatic; Lymphangioleiomyomatosis. Identifiers: Orphanet 538, MedGen C0751674, MONDO:0011705, OMIM 606690.
Isolated focal cortical dysplasia type II (FCORD2). Also called: CORTICAL DYSPLASIA OF TAYLOR; Focal cortical dysplasia type II. Identifiers: Orphanet 268994, MedGen C1846385, MONDO:0011818, OMIM 607341, HP:0032051.
Tuberous sclerosis 1 (TSC1). Identifiers: Orphanet 805, MedGen C1854465, MONDO:0008612, OMIM 191100.
Hereditary cancer-predisposing syndrome. Also called: Hereditary Cancer Syndrome; Tumor predisposition; Neoplastic Syndromes, Hereditary; Hereditary neoplastic syndrome. Identifiers: Orphanet 140162, MedGen C0027672, MeSH D009386, MONDO:0015356.

Submissions (3):

Labcorp Genetics (formerly Invitae), Labcorp
Classification: Uncertain significance for Tuberous sclerosis 1. Last evaluated: 2025-09-08. Review status: criteria provided, single submitter. Criteria: Invitae Variant Classification Sherloc (09022015). Collection method: clinical testing. Allele origin: germline.
Comment: This sequence change replaces histidine, which is basic and polar, with tyrosine, which is neutral and polar, at codon 71 of the TSC1 protein (p.His71Tyr). This variant is not present in population databases (gnomAD no frequency). This variant has not been reported in the literature in individuals affected with TSC1-related conditions. ClinVar contains an entry for this variant (Variation ID: 3329393). Invitae Evidence Modeling of protein sequence and biophysical properties (such as structural, functional, and spatial information, amino acid conservation, physicochemical variation, residue mobility, and thermodynamic stability) indicates that this missense variant is not expected to disrupt TSC1 protein function with a negative predictive value of 95%. In summary, the available evidence is currently insufficient to determine the role of this variant in disease. Therefore, it has been classified as a Variant of Uncertain Significance.

Ambry Genetics
Classification: Uncertain significance for Hereditary cancer-predisposing syndrome. Last evaluated: 2024-06-16. Review status: criteria provided, single submitter. Criteria: Ambry Variant Classification Scheme 2023. Collection method: clinical testing. Allele origin: germline.
Comment: The p.H71Y variant (also known as c.211C>T) is located in coding exon 3 of the TSC1 gene. The histidine at codon 71 is replaced by tyrosine, an amino acid with similar properties. This change occurs in the first base pair of coding exon 3. This amino acid position is conserved. In addition, the in silico prediction for this alteration is inconclusive. Based on the available evidence, the clinical significance of this variant remains unclear.

Fulgent Genetics
Classification: Uncertain significance for Tuberous sclerosis 1; Lymphangiomyomatosis; Isolated focal cortical dysplasia type II. Last evaluated: 2024-05-21. Review status: criteria provided, single submitter. Criteria: ACMG Guidelines, 2015. Collection method: clinical testing. Allele origin: germline.